The following is an entry in ClinVar:

ClinVar aggregate classification (germline): Uncertain significance (1 of 4 stars; one submission).

Submission:

Labcorp Genetics (formerly Invitae), Labcorp
Classification: Uncertain significance. Last evaluated: 2023-05-15. Review status: criteria provided, single submitter. Criteria: Invitae Variant Classification Sherloc (09022015). Collection method: clinical testing. Allele origin: germline.
Comment: An algorithm developed to predict the effect of missense changes on protein structure and function (PolyPhen-2) suggests that this variant is likely to be tolerated. This variant has not been reported in the literature in individuals affected with IRF4-related conditions. This variant is not present in population databases (gnomAD no frequency). This sequence change replaces phenylalanine, which is neutral and non-polar, with leucine, which is neutral and non-polar, at codon 416 of the IRF4 protein (p.Phe416Leu). In summary, the available evidence is currently insufficient to determine the role of this variant in disease. Therefore, it has been classified as a Variant of Uncertain Significance.

NM_002460.4(IRF4):c.1248T>G (p.Phe416Leu)

Gene: IRF4 (interferon regulatory factor 4; plus strand). Cytogenetic location: 6p25.3.
Variant type: single nucleotide variant.
Coding change: c.1248T>G on transcript NM_002460.4 (MANE Select); coding-DNA position 1248, T replaced by G.
Protein change: p.Phe416Leu; replaces phenylalanine 416 with leucine.
Molecular consequence: missense variant. On other transcripts: non-coding transcript variant (1).
Genome position (GRCh38, 1-based): chr6:407,490, T>G. VCF-style: chr6-407490-T-G. GRCh37 (hg19) VCF-style: chr6-407490-T-G.
Other names: c.1245T>G, p.Phe415Leu (NM_001195286.2); short protein forms F416L, F415L.
Identifiers: ClinVar variation 2852729 (VCV002852729.3), dbSNP rs2480839259, ClinGen allele CA362550900.